The following is an entry in ClinVar:

NM_000528.4(MAN2B1):c.2590G>A (p.Val864Ile)

Gene: MAN2B1 (mannosidase alpha class 2B member 1; minus strand). Cytogenetic location: 19p13.13.
Variant type: single nucleotide variant.
Coding change: c.2590G>A on transcript NM_000528.4 (MANE Select); coding-DNA position 2590, G replaced by A.
Protein change: p.Val864Ile; replaces valine 864 with isoleucine.
Molecular consequence: missense variant.
Genome position (GRCh38, 1-based): chr19:12,648,249, C>T on the plus strand (G>A on the coding strand, the complement: MAN2B1 is on the minus strand). VCF-style: chr19-12648249-C-T. GRCh37 (hg19) VCF-style: chr19-12759063-C-T.
Other names: c.2587G>A, p.Val863Ile (NM_001173498.2); c.2590G>A (NM_000528.3); short protein forms V863I, V864I.
Identifiers: ClinVar variation 2182985 (VCV002182985.3), dbSNP rs753095085, ClinGen allele CA9225977.
Genomic context (GRCh38, chr19:12,648,249, plus strand): 5'-GAGCCCCGAGATTGTAGGCGGCGCCGCCACCCGGGGCCAGCACCACCTGAGGGGCCAGGA[C>T]CTCCTGCTCCGCCAGGAGCCGGTGTCCGGCGGCTGCAGCCTGGGCTGTGTCCAGCAGCAC-3'
Protein context (NP_000519.2, residues 854-874): AGHRLLAEQE[Val864Ile]LAPQVVLAPG

ClinVar aggregate classification (germline): Uncertain significance. Review status: criteria provided, multiple submitters, no conflicts (2 of 4 stars). 2 submissions from 2 submitters: Uncertain significance (2). Last evaluated 2024-01-31.

Conditions:
Deficiency of alpha-mannosidase (MANSA). Also called: LYSOSOMAL ALPHA-D-MANNOSIDASE DEFICIENCY; Mannosidosis, alpha-, types I and II; Alpha-Mannosidosis. Identifiers: Orphanet 61, MedGen C0024748, MONDO:0009561, OMIM 248500.

Allele frequency attached by ClinVar (database versions not stated): gnomAD exomes below 0.00001; gnomAD 0.00001; TOPMed 0.00004.
gnomAD v4.1: 5 of 1,600,152 alleles (0.00031%); highest among the groups gnomAD compares: African/African-American, 0.0067%; no homozygotes.

Submissions (2):

GeneDx
Classification: Uncertain significance. Last evaluated: 2024-01-31. Review status: criteria provided, single submitter. Criteria: GeneDx Variant Classification Process June 2021. Collection method: clinical testing. Allele origin: germline. Affected: yes.
Comment: Has not been previously published as pathogenic or benign to our knowledge; Not observed at significant frequency in large population cohorts (gnomAD); In silico analysis supports that this missense variant does not alter protein structure/function

Labcorp Genetics (formerly Invitae), Labcorp
Classification: Uncertain significance for Deficiency of alpha-mannosidase. Last evaluated: 2022-08-09. Review status: criteria provided, single submitter. Criteria: Invitae Variant Classification Sherloc (09022015). Collection method: clinical testing. Allele origin: germline.
Comment: This sequence change replaces valine, which is neutral and non-polar, with isoleucine, which is neutral and non-polar, at codon 864 of the MAN2B1 protein (p.Val864Ile). This variant is present in population databases (rs753095085, gnomAD 0.009%). This variant has not been reported in the literature in individuals affected with MAN2B1-related conditions. Algorithms developed to predict the effect of missense changes on protein structure and function output the following: SIFT: "Tolerated"; PolyPhen-2: "Benign"; Align-GVGD: "Class C0". The isoleucine amino acid residue is found in multiple mammalian species, which suggests that this missense change does not adversely affect protein function. In summary, the available evidence is currently insufficient to determine the role of this variant in disease. Therefore, it has been classified as a Variant of Uncertain Significance.